The following is an entry in ClinVar:

ClinVar aggregate classification (germline): not provided (0 of 4 stars; one submission).

Conditions:
Preeclampsia. Identifiers: Orphanet 275555, MedGen C0032914, MONDO:0005081, HP:0100602.

Submission:

Institute of Molecular and Cell Biology, University of Tartu
No classification provided. Condition: Preeclampsia. Review status: no classification provided. Collection method: case-control. Allele origin: unknown. Affected: yes. Study: Kasak2014.
Comment: The study aimed to determine the contribution of copy number variants in the genetic etiology of normal and complicated pregnancies. The samples represented (i) maternal blood DNA drawn from healthy pregnant women during 1st or 2nd trimester and (ii) maternal and paternal blood DNA drawn at term pregnancy cases representing normal and complicated gestations (severe preeclampsia, PE; gestational diabetes, GD; small-for-gestational age newborn, SGA; large-for-gestational age newborn, LGA). We performed CNV calling based on genome-wide genotyping dataset (Illumina HumanOmniExpress-24-v1 BeadChip) by applying three algorithms, QuantiSNP, GADA (Genome Alteration Detection Algorithm) and CNstream in parallel. The acquired CNV calls were merged with HD-CNV (Hotspot Detector for Copy Number Variants) program and only the CNVs predicted by at least two programs, were considered in subsequent analysis.

Literature cited by the submitters: PubMed 25666259.

NM_001145728.2(LMNTD1):c.*22+2227_*22+7996del

Gene: LMNTD1 (lamin tail domain containing 1; minus strand). Cytogenetic location: 12p12.1.
Variant type: Deletion.
Coding change: c.*22+2227_*22+7996del on transcript NM_001145728.2 (MANE Select); bases 2227 to 7996 of the intron after 22 bases downstream of the stop codon, 5,770 bases deleted.
Molecular consequence: intron variant.
Genome position (GRCh38, 1-based): chr12:25,495,742-25,501,511, 5,770 bases deleted. GRCh37 (hg19): chr12:25,648,677-25,654,446.
Other names: c.*22+2227_*22+7996del (NM_001256266.1, NM_152590.3).
Identifiers: ClinVar variation 157244 (VCV000157244.2), ClinGen allele CA212329.